The following is an entry in ClinVar:

NM_006514.4(SCN10A):c.5673T>C (p.Asp1891=)

Gene: SCN10A (sodium voltage-gated channel alpha subunit 10; minus strand). Cytogenetic location: 3p22.2.
Variant type: single nucleotide variant.
Coding change: c.5673T>C on transcript NM_006514.4 (MANE Select); coding-DNA position 5673, T replaced by C.
Protein change: p.Asp1891=; no amino-acid change (aspartic acid 1891 retained).
Molecular consequence: synonymous variant.
Genome position (GRCh38, 1-based): chr3:38,697,547, A>G on the plus strand (T>C on the coding strand, the complement: SCN10A is on the minus strand). VCF-style: chr3-38697547-A-G. GRCh37 (hg19) VCF-style: chr3-38739038-A-G.
Other names: c.5670T>C, p.Asp1890= (NM_001293306.2); c.5379T>C, p.Asp1793= (NM_001293307.2).
Identifiers: ClinVar variation 668286 (VCV000668286.1), dbSNP rs1559405463, ClinGen allele CA433333513.

ClinVar aggregate classification (germline): Likely benign (1 of 4 stars; one submission).

Submission:

GeneDx
Classification: Likely benign. Last evaluated: 2018-05-11. Review status: criteria provided, single submitter. Criteria: GeneDx Variant Classification (06012015). Collection method: clinical testing. Allele origin: germline. Affected: yes.
Comment: This variant is considered likely benign or benign based on one or more of the following criteria: it is a conservative change, it occurs at a poorly conserved position in the protein, it is predicted to be benign by multiple in silico algorithms, and/or has population frequency not consistent with disease.